The following is an entry in ClinVar:

NM_000197.2(HSD17B3):c.-39A>G

Genes: SLC35D2-HSD17B3 (SLC35D2-HSD17B3 readthrough; minus strand), HSD17B3 (hydroxysteroid 17-beta dehydrogenase 3; minus strand). Cytogenetic location: 9q22.32.
Variant type: single nucleotide variant.
Coding change: c.-39A>G on transcript NM_000197.2 (MANE Select); 39 bases upstream of the start codon, A replaced by G.
Molecular consequence: 5 prime UTR variant.
Genome position (GRCh38, 1-based): chr9:96,302,143, T>C on the plus strand (A>G on the coding strand, the complement: HSD17B3 is on the minus strand). VCF-style: chr9-96302143-T-C. GRCh37 (hg19) VCF-style: chr9-99064425-T-C.
Identifiers: ClinVar variation 255507 (VCV000255507.9), dbSNP rs2066474, ClinGen allele CA5140575.

ClinVar aggregate classification (germline): Benign. Review status: criteria provided, multiple submitters, no conflicts (2 of 4 stars). 4 submissions from 4 submitters: Benign (4). Last evaluated 2018-08-25.

Conditions:
Testosterone 17-beta-dehydrogenase deficiency. Also called: 17-beta hydroxysteroid dehydrogenase 3 deficiency; 17 alpha ketosteroid reductase deficiency of testis; 17 alpha KSR deficiency; Neutral 17 beta hydroxysteroid oxidoreductase deficiency; Male pseudoherma-phroditism with gynecomastia; 46,XY disorder of sex development due to 17-beta-hydroxysteroid dehydrogenase 3 deficiency. Identifiers: Orphanet 752, MedGen C0268296, MONDO:0009916, OMIM 264300. Disease mechanism: loss of function.

Allele frequency attached by ClinVar (database versions not stated): 1000 Genomes Project 0.27915; ESP Exome Variant Server 0.17438; gnomAD 0.19625 and 0.20543; gnomAD exomes 0.20057 and 0.25276; TOPMed 0.20253; ExAC 0.25809; 1000 Genomes Project 30x 0.27592.
gnomAD v4.1: 324,001 of 1,606,212 alleles (20%); highest among the groups gnomAD compares: East Asian, 46%; 36,679 homozygotes.

Submissions (4):

GeneDx
Classification: Benign. Last evaluated: 2018-08-25. Review status: criteria provided, single submitter. Criteria: GeneDx Variant Classification Process June 2021. Collection method: clinical testing. Allele origin: germline. Affected: yes.

Illumina Laboratory Services, Illumina
Classification: Benign for Testosterone 17-beta-dehydrogenase deficiency. Last evaluated: 2018-01-13. Review status: criteria provided, single submitter. Criteria: ICSL Variant Classification Criteria 13 December 2019. Collection method: clinical testing. Allele origin: germline.
Comment: This variant was observed in the ICSL laboratory as part of a predisposition screen in an ostensibly healthy population. It had not been previously curated by ICSL or reported in the Human Gene Mutation Database (HGMD: prior to June 1st, 2018), and was therefore a candidate for classification through an automated scoring system. Utilizing variant allele frequency, disease prevalence and penetrance estimates, and inheritance mode, an automated score was calculated to assess if this variant is too frequent to cause the disease. Based on the score and internal cut-off values, a variant classified as benign is not then subjected to further curation. The score for this variant resulted in a classification of benign for this disease.

Breakthrough Genomics
Classification: Benign. Review status: criteria provided, single submitter. Criteria: ACMG Guidelines, 2015. Collection method: not provided. Allele origin: germline. Inheritance: Autosomal recessive inheritance. Affected: yes.

PreventionGenetics, part of Exact Sciences
Classification: Benign. Review status: criteria provided, single submitter. Criteria: ACMG Guidelines, 2015. Collection method: clinical testing. Allele origin: germline.